The following is an entry in ClinVar:

NM_199420.4(POLQ):c.2350C>T (p.Arg784Cys)

Gene: POLQ (DNA polymerase theta; minus strand). Cytogenetic location: 3q13.33.
Variant type: single nucleotide variant.
Coding change: c.2350C>T on transcript NM_199420.4 (MANE Select); coding-DNA position 2350, C replaced by T.
Protein change: p.Arg784Cys; replaces arginine 784 with cysteine.
Molecular consequence: missense variant.
Genome position (GRCh38, 1-based): chr3:121,493,650, G>A on the plus strand (C>T on the coding strand, the complement: POLQ is on the minus strand). VCF-style: chr3-121493650-G-A. GRCh37 (hg19) VCF-style: chr3-121212497-G-A.
Other names: short protein forms R784C.
Identifiers: ClinVar variation 1790002 (VCV001790002.3), dbSNP rs142004739, ClinGen allele CA2563277.

ClinVar aggregate classification (germline): Uncertain significance (1 of 4 stars; one submission).

Allele frequency attached by ClinVar (database versions not stated): gnomAD exomes 0.00004; ExAC 0.00015; 1000 Genomes Project 30x 0.00016; 1000 Genomes Project 0.00020; gnomAD 0.00044; TOPMed 0.00048; ESP Exome Variant Server 0.00062.
gnomAD v4.1: 132 of 1,614,014 alleles (0.0082%); highest among the groups gnomAD compares: African/African-American, 0.15%; no homozygotes.

Submission:

Ambry Genetics
Classification: Uncertain significance. Last evaluated: 2024-09-30. Review status: criteria provided, single submitter. Criteria: Ambry Variant Classification Scheme 2023. Collection method: clinical testing. Allele origin: germline.
Comment: The p.R784C variant (also known as c.2350C>T), located in coding exon 15 of the POLQ gene, results from a C to T substitution at nucleotide position 2350. The arginine at codon 784 is replaced by cysteine, an amino acid with highly dissimilar properties. This amino acid position is conserved. In addition, this alteration is predicted to be deleterious by in silico analysis. Since supporting evidence is limited at this time, the clinical significance of this alteration remains unclear.